The following is an entry in ClinVar:

ClinVar aggregate classification (germline): Uncertain significance. Review status: criteria provided, single submitter (1 of 4 stars). 2 submissions from 2 submitters: Uncertain significance (1). 1 of the submissions does not count toward it. Last evaluated 2016-05-05.

Conditions:
Primary ciliary dyskinesia. Also called: Ciliary dyskinesia. Identifiers: Orphanet 244, MedGen C0008780, MONDO:0016575, HP:0012265.

Submissions (2):

Labcorp Genetics (formerly Invitae), Labcorp
Classification: Uncertain significance for Primary ciliary dyskinesia. Last evaluated: 2016-05-05. Review status: criteria provided, single submitter. Criteria: Invitae Variant Classification Sherloc (09022015). Collection method: clinical testing. Allele origin: germline.
Comment: This sequence change replaces glutamine with arginine at codon 40 of the DNAI2 protein (p.Gln40Arg). The glutamine residue is weakly conserved and there is a small physicochemical difference between glutamine and arginine. This variant is not present in population databases (ExAC no frequency) and has not been reported in the literature in individuals with a DNAI2-related disease. In summary, this variant is a novel missense change that is not predicted to affect protein function. There is no indication that it causes disease, but the available evidence is currently insufficient to prove that conclusively. Therefore, it has been classified as a Variant of Uncertain Significance. Algorithms developed to predict the effect of missense changes on protein structure and function (SIFT, PolyPhen-2, Align-GVGD) all suggest that this variant is likely to be tolerated, but these predictions have not been confirmed by published functional studies.

Natera, Inc.
Classification: Uncertain significance for Primary ciliary dyskinesia. Last evaluated: 2020-07-07. Review status: no assertion criteria provided. Collection method: clinical testing. Allele origin: germline. Not counted in ClinVar's aggregate classification.

NM_023036.6(DNAI2):c.119A>G (p.Gln40Arg)

Gene: DNAI2 (dynein axonemal intermediate chain 2; plus strand). Cytogenetic location: 17q25.1.
Variant type: single nucleotide variant.
Coding change: c.119A>G on transcript NM_023036.6 (MANE Select); coding-DNA position 119, A replaced by G.
Protein change: p.Gln40Arg; replaces glutamine 40 with arginine.
Molecular consequence: missense variant. On other transcripts: non-coding transcript variant (1).
Genome position (GRCh38, 1-based): chr17:74,281,936, A>G. VCF-style: chr17-74281936-A-G. GRCh37 (hg19) VCF-style: chr17-72278075-A-G.
Other names: c.119A>G, p.Gln40Arg (NM_001172810.3, NM_001353167.2); short protein forms Q40R.
Identifiers: ClinVar variation 408960 (VCV000408960.13), dbSNP rs1060502200, ClinGen allele CA16615919.